The following is an entry in ClinVar:

ClinVar aggregate classification (germline): Uncertain significance. Review status: criteria provided, multiple submitters, no conflicts (2 of 4 stars). 2 submissions from 2 submitters: Uncertain significance (2). Last evaluated 2025-05-05.

Conditions:
Cardiomyopathy (CMYO). Also called: Cardiomyopathies. Identifiers: Orphanet 167848, MedGen C0878544, MONDO:0004994, HP:0001638. Inheritance: Various modes of inheritance.
Arrhythmogenic cardiomyopathy with wooly hair and keratoderma. Also called: Dilated cardiomyopathy with woolly hair and keratoderma; Carvajal syndrome; Arrhythmogenic cardiomyopathy with woolly hair and keratoderma; PALMOPLANTAR KERATODERMA WITH LEFT VENTRICULAR CARDIOMYOPATHY AND WOOLLY HAIR. Identifiers: Orphanet 65282, MedGen C1854063, MONDO:0011581, OMIM 605676.
Arrhythmogenic right ventricular dysplasia 8 (ARVD8). Also called: Arrhythmogenic Right Ventricular Dysplasia/Cardiomyopathy 8; ARRHYTHMOGENIC RIGHT VENTRICULAR DYSPLASIA, FAMILIAL, 8; ARRHYTHMOGENIC RIGHT VENTRICULAR CARDIOMYOPATHY 8. Identifiers: MedGen C1843896, MONDO:0011831, OMIM 607450.

Allele frequency attached by ClinVar (database versions not stated): gnomAD exomes 0.00001; ExAC 0.00002.
gnomAD v4.1: 17 of 1,614,048 alleles (0.0011%); highest among the groups gnomAD compares: Non-Finnish European, 0.0014%; no homozygotes.

Submissions (2):

Labcorp Genetics (formerly Invitae), Labcorp
Classification: Uncertain significance for Arrhythmogenic cardiomyopathy with wooly hair and keratoderma; Arrhythmogenic right ventricular dysplasia 8. Last evaluated: 2025-05-05. Review status: criteria provided, single submitter. Criteria: Invitae Variant Classification Sherloc (09022015). Collection method: clinical testing. Allele origin: germline.
Comment: This sequence change replaces arginine, which is basic and polar, with cysteine, which is neutral and slightly polar, at codon 2464 of the DSP protein (p.Arg2464Cys). This variant is present in population databases (rs778822920, gnomAD 0.002%). This missense change has been observed in individual(s) with dilated cardiomyopathy (PMID: 31737537). ClinVar contains an entry for this variant (Variation ID: 1005463). An algorithm developed to predict the effect of missense changes on protein structure and function (PolyPhen-2) suggests that this variant is likely to be disruptive. In summary, the available evidence is currently insufficient to determine the role of this variant in disease. Therefore, it has been classified as a Variant of Uncertain Significance.

Color Diagnostics, LLC DBA Color Health
Classification: Uncertain significance for Cardiomyopathy. Last evaluated: 2024-11-05. Review status: criteria provided, single submitter. Criteria: ACMG Guidelines, 2015. Collection method: clinical testing. Allele origin: germline.
Comment: This missense variant replaces arginine with cysteine at codon 2464 of the DSP protein. Computational prediction is inconclusive regarding the impact of this variant on protein structure and function. To our knowledge, functional studies have not been reported for this variant. This variant has been reported in an individual affected with dilated cardiomyopathy (PMID: 31737537). This variant has been identified in 2/251232 chromosomes in the general population by the Genome Aggregation Database (gnomAD). The available evidence is insufficient to determine the role of this variant in disease conclusively. Therefore, this variant is classified as a Variant of Uncertain Significance.

Literature cited by the submitters: PubMed 31737537 (cited by Labcorp Genetics (formerly Invitae), Labcorp and Color Diagnostics, LLC DBA Color Health).

NM_004415.4(DSP):c.7390C>T (p.Arg2464Cys)

Gene: DSP (desmoplakin; plus strand). Cytogenetic location: 6p24.3.
Variant type: single nucleotide variant.
Coding change: c.7390C>T on transcript NM_004415.4 (MANE Select); coding-DNA position 7390, C replaced by T.
Protein change: p.Arg2464Cys; replaces arginine 2464 with cysteine.
Molecular consequence: missense variant.
Genome position (GRCh38, 1-based): chr6:7,584,652, C>T. VCF-style: chr6-7584652-C-T. GRCh37 (hg19) VCF-style: chr6-7584885-C-T.
Other names: c.5593C>T, p.Arg1865Cys (NM_001008844.3); c.6061C>T, p.Arg2021Cys (NM_001319034.2); short protein forms R1865C, R2021C, R2464C.
Identifiers: ClinVar variation 1005463 (VCV001005463.11), dbSNP rs778822920, ClinGen allele CA049799.